The following is an entry in ClinVar:

ClinVar aggregate classification (germline): Uncertain significance (1 of 4 stars; one submission).

Conditions:
Joubert syndrome 14 (JBTS14). Identifiers: MedGen C3280766, MONDO:0013745, OMIM 614424.

Allele frequency attached by ClinVar (database versions not stated): gnomAD exomes below 0.00001; ExAC 0.00001; gnomAD 0.00001; TOPMed 0.00002; 1000 Genomes Project 30x 0.00016.

Submission:

Labcorp Genetics (formerly Invitae), Labcorp
Classification: Uncertain significance for Joubert syndrome 14. Last evaluated: 2022-10-24. Review status: criteria provided, single submitter. Criteria: Invitae Variant Classification Sherloc (09022015). Collection method: clinical testing. Allele origin: germline.
Comment: Algorithms developed to predict the effect of sequence changes on RNA splicing suggest that this variant is not likely to affect RNA splicing. This variant has not been reported in the literature in individuals affected with TMEM237-related conditions. This variant is present in population databases (rs753129043, gnomAD 0.02%). This variant occurs in a non-coding region of the TMEM237 gene. It does not change the encoded amino acid sequence of the TMEM237 protein. In summary, the available evidence is currently insufficient to determine the role of this variant in disease. Therefore, it has been classified as a Variant of Uncertain Significance.

NM_001044385.3(TMEM237):c.74+12_74+14del

Gene: TMEM237 (transmembrane protein 237; minus strand). Cytogenetic location: 2q33.1.
Variant type: Deletion.
Coding change: c.74+12_74+14del on transcript NM_001044385.3 (MANE Select); bases 12 to 14 of the intron after coding-DNA position 74, 3 bases deleted (TTA; older notation c.74+12_74+14delTTA).
Molecular consequence: intron variant.
Genome position (GRCh38, 1-based): chr2:201,640,879-201,640,881, TAA deleted on the plus strand (TTA on the coding strand, the reverse complement: TMEM237 is on the minus strand). VCF-style (leftmost placement, unchanged base first): chr2-201640878-GTAA-G. GRCh37 (hg19) VCF-style: chr2-202505601-GTAA-G.
Other names: c.50+12_50+14del (NM_152388.4).
Identifiers: ClinVar variation 1991192 (VCV001991192.4), dbSNP rs753129043, ClinGen allele CA2056618.